The following is an entry in ClinVar:

NM_182760.4(SUMF1):c.158G>T (p.Gly53Val)

Genes: SUMF1 (sulfatase modifying factor 1; minus strand), LOC129936056 (ATAC-STARR-seq lymphoblastoid silent region 14016; plus strand). Cytogenetic location: 3p26.1.
Variant type: single nucleotide variant.
Coding change: c.158G>T on transcript NM_182760.4 (MANE Select); coding-DNA position 158, G replaced by T.
Protein change: p.Gly53Val; replaces glycine 53 with valine.
Molecular consequence: missense variant.
Genome position (GRCh38, 1-based): chr3:4,467,088, C>A on the plus strand (G>T on the coding strand, the complement: SUMF1 is on the minus strand). VCF-style: chr3-4467088-C-A. GRCh37 (hg19) VCF-style: chr3-4508772-C-A.
Other names: c.158G>T (NM_182760.3); c.158G>T, p.Gly53Val (NM_001164674.2, NM_001164675.2); short protein forms G53V.
Identifiers: ClinVar variation 1413841 (VCV001413841.8), dbSNP rs1258161162, ClinGen allele CA351794290.

ClinVar aggregate classification (germline): Uncertain significance. Review status: criteria provided, multiple submitters, no conflicts (2 of 4 stars). 2 submissions from 2 submitters: Uncertain significance (2). Last evaluated 2025-05-20.

Conditions:
Multiple sulfatase deficiency (MSD). Also called: Mucosulfatidosis; Multiple Sulfatase Deficiency Disease; Sulfatidosis, Juvenile, Austin Type. Identifiers: Orphanet 585, MedGen C0268263, MONDO:0010088, OMIM 272200.

Allele frequency attached by ClinVar (database versions not stated): gnomAD 0.00001; gnomAD exomes 0.00004.
gnomAD v4.1: 8 of 1,561,988 alleles (0.00051%); highest among the groups gnomAD compares: Admixed American, 0.013%; no homozygotes.

Submissions (2):

GeneDx
Classification: Uncertain significance. Last evaluated: 2025-05-20. Review status: criteria provided, single submitter. Criteria: GeneDx Variant Classification Process June 2021. Collection method: clinical testing. Allele origin: germline. Affected: yes.
Comment: In silico analysis supports that this missense variant has a deleterious effect on protein structure/function; In silico analysis is inconclusive as to whether the variant alters gene splicing. In the absence of RNA/functional studies, the actual effect of this sequence change is unknown.; Has not been previously published as pathogenic or benign to our knowledge

Labcorp Genetics (formerly Invitae), Labcorp
Classification: Uncertain significance for Multiple sulfatase deficiency. Last evaluated: 2024-07-23. Review status: criteria provided, single submitter. Criteria: Invitae Variant Classification Sherloc (09022015). Collection method: clinical testing. Allele origin: germline.
Comment: This sequence change replaces glycine, which is neutral and non-polar, with valine, which is neutral and non-polar, at codon 53 of the SUMF1 protein (p.Gly53Val). This variant is present in population databases (no rsID available, gnomAD 0.02%). This variant has not been reported in the literature in individuals affected with SUMF1-related conditions. ClinVar contains an entry for this variant (Variation ID: 1413841). Advanced modeling of protein sequence and biophysical properties (such as structural, functional, and spatial information, amino acid conservation, physicochemical variation, residue mobility, and thermodynamic stability) has been performed at Invitae for this missense variant, however the output from this modeling did not meet the statistical confidence thresholds required to predict the impact of this variant on SUMF1 protein function. In summary, the available evidence is currently insufficient to determine the role of this variant in disease. Therefore, it has been classified as a Variant of Uncertain Significance.